The following is an entry in ClinVar:

NM_000292.3(PHKA2):c.785T>G (p.Ile262Ser)

Gene: PHKA2 (phosphorylase kinase regulatory subunit alpha 2; minus strand). Cytogenetic location: Xp22.13.
Variant type: single nucleotide variant.
Coding change: c.785T>G on transcript NM_000292.3 (MANE Select); coding-DNA position 785, T replaced by G.
Protein change: p.Ile262Ser; replaces isoleucine 262 with serine.
Molecular consequence: missense variant.
Genome position (GRCh38, 1-based): chrX:18,941,608, A>C on the plus strand (T>G on the coding strand, the complement: PHKA2 is on the minus strand). VCF-style: chrX-18941608-A-C. GRCh37 (hg19) VCF-style: chrX-18959726-A-C.
Other names: p.Ile262Ser; short protein forms I262S.
Identifiers: ClinVar variation 1390884 (VCV001390884.7), dbSNP rs145406549, ClinGen allele CA10362051.
Genomic context (GRCh38, chrX:18,941,608, plus strand): 5'-TCATTTTTGGTCACATTTACAAGGTTTACATCTTCCACTGCAAAGGCCGGGAAGGAAATA[A>C]TGGAAAGAAGTCCAGCATCAATTTCTTTAGATGTCGACGCTCTTGGCAGCATGGAGAACA-3'
Protein context (NP_000283.1, residues 252-272): SKEIDAGLLS[Ile262Ser]ISFPAFAVED

ClinVar aggregate classification (germline): Uncertain significance. Review status: criteria provided, multiple submitters, no conflicts (2 of 4 stars). 2 submissions from 2 submitters: Uncertain significance (2). Last evaluated 2024-11-27.

Conditions:
Glycogen storage disease IXa1. Also called: LIVER GLYCOGENOSIS, X-LINKED, TYPE I; GLYCOGEN STORAGE DISEASE VIII; GSD VIII; Glycogen storage disease 8. Identifiers: Orphanet 264580, MedGen C3694531, MONDO:0010598, OMIM 306000.

Allele frequency attached by ClinVar (database versions not stated): ExAC 0.00018; gnomAD exomes 0.00019 and 0.00034; ESP Exome Variant Server 0.00028; gnomAD 0.00055 and 0.00057; TOPMed 0.00090; 1000 Genomes Project 0.00159; 1000 Genomes Project 30x 0.00166.
gnomAD v4.1: 432 of 1,172,813 alleles (0.037%); highest among the groups gnomAD compares: Admixed American, 0.12%; no homozygotes.

Submissions (3):

Labcorp Genetics (formerly Invitae), Labcorp
Classification: Uncertain significance for Glycogen storage disease IXa1. Last evaluated: 2024-11-27. Review status: criteria provided, single submitter. Criteria: Invitae Variant Classification Sherloc (09022015). Collection method: clinical testing. Allele origin: germline.
Comment: This sequence change replaces isoleucine, which is neutral and non-polar, with serine, which is neutral and polar, at codon 262 of the PHKA2 protein (p.Ile262Ser). This variant is present in population databases (rs145406549, gnomAD 0.04%), and has an allele count higher than expected for a pathogenic variant. This variant has not been reported in the literature in individuals affected with PHKA2-related conditions. ClinVar contains an entry for this variant (Variation ID: 1390884). Invitae Evidence Modeling of protein sequence and biophysical properties (such as structural, functional, and spatial information, amino acid conservation, physicochemical variation, residue mobility, and thermodynamic stability) indicates that this missense variant is expected to disrupt PHKA2 protein function with a positive predictive value of 80%. In summary, the available evidence is currently insufficient to determine the role of this variant in disease. Therefore, it has been classified as a Variant of Uncertain Significance.

Mayo Clinic Laboratories, Mayo Clinic
Classification: Uncertain significance. Last evaluated: 2022-06-30. Review status: criteria provided, single submitter. Criteria: ACMG Guidelines, 2015. Collection method: clinical testing. Allele origin: germline. Observed: 2 variant alleles.
Comment: BS1, PP3

Dr. Peter K. Rogan Lab, Western University
No classification provided (evidence only). Condition: Gastric cancer. Review status: no classification provided. Collection method: in vitro. Allele origin: not applicable. Functional consequence: retained intron. Not counted in ClinVar's aggregate classification.